The following is an entry in ClinVar:

NM_001159699.2(FHL1):c.549+7T>G

Gene: FHL1 (four and a half LIM domains 1; plus strand). Cytogenetic location: Xq26.3.
Variant type: single nucleotide variant.
Coding change: c.549+7T>G on transcript NM_001159699.2 (MANE Select); 7 bases into the intron after coding-DNA position 549, T replaced by G.
Molecular consequence: intron variant.
Genome position (GRCh38, 1-based): chrX:136,207,968, T>G. VCF-style: chrX-136207968-T-G. GRCh37 (hg19) VCF-style: chrX-135290127-T-G.
Other names: c.501+7T>G (NM_001159702.3, NM_001449.5, NM_001159703.2 and 9 more transcripts); c.588+7T>G (NM_001159701.2); c.549+7T>G (NM_001330659.2).
Identifiers: ClinVar variation 512175 (VCV000512175.8), dbSNP rs771700018, ClinGen allele CA10525029.

ClinVar aggregate classification (germline): Likely benign. Review status: criteria provided, multiple submitters, no conflicts (2 of 4 stars). 2 submissions from 2 submitters: Likely benign (2). Last evaluated 2024-02-17.

Conditions:
X-linked myopathy with postural muscle atrophy. Also called: FHL1-Related Emery-Dreifuss Muscular Dystrophy, X-Linked. Identifiers: Orphanet 178461, MedGen C2678055, MONDO:0010401, OMIM 300696.

Allele frequency attached by ClinVar (database versions not stated): ExAC 0.00001; gnomAD exomes 0.00002; TOPMed 0.00002; gnomAD 0.00003.
gnomAD v4.1: 29 of 1,211,091 alleles (0.0024%); highest among the groups gnomAD compares: Non-Finnish European, 0.0031%; no homozygotes.

Submissions (2):

Labcorp Genetics (formerly Invitae), Labcorp
Classification: Likely benign for X-linked myopathy with postural muscle atrophy. Last evaluated: 2024-02-17. Review status: criteria provided, single submitter. Criteria: Invitae Variant Classification Sherloc (09022015). Collection method: clinical testing. Allele origin: germline.

GeneDx
Classification: Likely benign. Last evaluated: 2017-09-19. Review status: criteria provided, single submitter. Criteria: GeneDx Variant Classification (06012015). Collection method: clinical testing. Allele origin: germline. Affected: yes.
Comment: This variant is considered likely benign or benign based on one or more of the following criteria: it is a conservative change, it occurs at a poorly conserved position in the protein, it is predicted to be benign by multiple in silico algorithms, and/or has population frequency not consistent with disease.